The following is an entry in ClinVar:

NM_032776.3(JMJD1C):c.6539A>G (p.Lys2180Arg)

Gene: JMJD1C (jumonji domain containing 1C; minus strand). Cytogenetic location: 10q21.3.
Variant type: single nucleotide variant.
Coding change: c.6539A>G on transcript NM_032776.3 (MANE Select); coding-DNA position 6539, A replaced by G.
Protein change: p.Lys2180Arg; replaces lysine 2180 with arginine.
Molecular consequence: missense variant. On other transcripts: non-coding transcript variant (1).
Genome position (GRCh38, 1-based): chr10:63,189,199, T>C on the plus strand (A>G on the coding strand, the complement: JMJD1C is on the minus strand). VCF-style: chr10-63189199-T-C. GRCh37 (hg19) VCF-style: chr10-64948959-T-C.
Other names: c.5993A>G, p.Lys1998Arg (NM_001282948.2, NM_001318154.2); c.5675A>G, p.Lys1892Arg (NM_001318153.2); c.6425A>G, p.Lys2142Arg (NM_001322252.2); c.5882A>G, p.Lys1961Arg (NM_001322254.2, NM_001322258.2); short protein forms K2142R, K2180R, K1892R, K1961R, K1998R.
Identifiers: ClinVar variation 2903026 (VCV002903026.3), dbSNP rs1844475581, ClinGen allele CA377023487.
Genomic context (GRCh38, chr10:63,189,199, plus strand): 5'-AGTGTTCTTTATCAGCCTAAAATACACACCTGTCCTTGTTTCCAACATTCTTTGAAAAGC[T>C]TCCAATTACTGCTATTCTTATAATCCTTAAGCCATAAAATATGCTTCTCACAGATCCAAG-3'
Protein context (NP_116165.1, residues 2170-2190): LKDYKNSSNW[Lys2180Arg]LFKECWKQGQ

ClinVar aggregate classification (germline): Uncertain significance (1 of 4 stars; one submission).

Conditions:
Early Myoclonic Encephalopathy. Identifiers: MedGen C0270855.

Allele frequency attached by ClinVar (database versions not stated): TOPMed below 0.00001; gnomAD exomes 0.00001.
gnomAD v4.1: 3 of 1,610,316 alleles (0.00019%); highest among the groups gnomAD compares: East Asian, 0.0067%; no homozygotes.

Submission:

Labcorp Genetics (formerly Invitae), Labcorp
Classification: Uncertain significance for Early Myoclonic Encephalopathy. Last evaluated: 2025-02-17. Review status: criteria provided, single submitter. Criteria: Invitae Variant Classification Sherloc (09022015). Collection method: clinical testing. Allele origin: germline.
Comment: This sequence change replaces lysine, which is basic and polar, with arginine, which is basic and polar, at codon 2180 of the JMJD1C protein (p.Lys2180Arg). This variant is not present in population databases (gnomAD no frequency). This variant has not been reported in the literature in individuals affected with JMJD1C-related conditions. ClinVar contains an entry for this variant (Variation ID: 2903026). Invitae Evidence Modeling of protein sequence and biophysical properties (such as structural, functional, and spatial information, amino acid conservation, physicochemical variation, residue mobility, and thermodynamic stability) indicates that this missense variant is not expected to disrupt JMJD1C protein function with a negative predictive value of 80%. In summary, the available evidence is currently insufficient to determine the role of this variant in disease. Therefore, it has been classified as a Variant of Uncertain Significance.